The following is an entry in ClinVar:

ClinVar aggregate classification (germline): Uncertain significance (1 of 4 stars; one submission).

Allele frequency attached by ClinVar (database versions not stated): gnomAD exomes below 0.00001; TOPMed 0.00001; gnomAD 0.00003.

Submission:

Labcorp Genetics (formerly Invitae), Labcorp
Classification: Uncertain significance. Last evaluated: 2023-03-03. Review status: criteria provided, single submitter. Criteria: Invitae Variant Classification Sherloc (09022015). Collection method: clinical testing. Allele origin: germline.
Comment: This variant is present in population databases (no rsID available, gnomAD 0.002%). This variant has not been reported in the literature in individuals affected with DSCAML1-related conditions. ClinVar contains an entry for this variant (Variation ID: 1929837). An algorithm developed to predict the effect of missense changes on protein structure and function (PolyPhen-2) suggests that this variant is likely to be disruptive. In summary, the available evidence is currently insufficient to determine the role of this variant in disease. Therefore, it has been classified as a Variant of Uncertain Significance. This sequence change replaces tyrosine, which is neutral and polar, with cysteine, which is neutral and slightly polar, at codon 1194 of the DSCAML1 protein (p.Tyr1194Cys).

NM_020693.4(DSCAML1):c.3401A>G (p.Tyr1134Cys)

Gene: DSCAML1 (DS cell adhesion molecule like 1; minus strand). Cytogenetic location: 11q23.3.
Variant type: single nucleotide variant.
Coding change: c.3401A>G on transcript NM_020693.4 (MANE Select); coding-DNA position 3401, A replaced by G.
Protein change: p.Tyr1134Cys; replaces tyrosine 1134 with cysteine.
Molecular consequence: missense variant.
Genome position (GRCh38, 1-based): chr11:117,461,461, T>C on the plus strand (A>G on the coding strand, the complement: DSCAML1 is on the minus strand). VCF-style: chr11-117461461-T-C. GRCh37 (hg19) VCF-style: chr11-117332177-T-C.
Other names: short protein forms Y1134C.
Identifiers: ClinVar variation 1929837 (VCV001929837.5), dbSNP rs1034217715, ClinGen allele CA229365470.
Genomic context (GRCh38, chr11:117,461,461, plus strand): 5'-GACCTGCGCCTCTCCCCTGAGTCCCAGCCATCAGTCCCAGCAGACTCACCCCCATCAACA[T>C]AGAGGGACCAGAAGATGACCCGATAGCCTTTGAGGACGCCATTGAGGGTGCTGCGCGGGG-3'
Protein context (NP_065744.3, residues 1124-1144): KGYRVIFWSL[Tyr1134Cys]VDGEWGEMQN